The following is an entry in ClinVar:

ClinVar aggregate classification (germline): Conflicting classifications of pathogenicity. Review status: criteria provided, conflicting classifications (1 of 4 stars). 3 submissions from 3 submitters: Uncertain significance (1); Likely benign (2). Last evaluated 2025-11-03.

Conditions:
Primary ciliary dyskinesia 33. Also called: CILIARY DYSKINESIA, PRIMARY, 33, WITHOUT SITUS INVERSUS. Identifiers: Orphanet 244, MedGen C4225230, MONDO:0014750, OMIM 616726.

Allele frequency attached by ClinVar (database versions not stated): gnomAD 0.00006 and 0.00014; TOPMed 0.00007; ESP Exome Variant Server 0.00008; gnomAD exomes 0.00023 and 0.00043; 1000 Genomes Project 0.00040; 1000 Genomes Project 30x 0.00047; ExAC 0.00048.
gnomAD v4.1: 353 of 1,613,874 alleles (0.022%); highest among the groups gnomAD compares: South Asian, 0.32%; 5 homozygotes.

Submissions (4):

Labcorp Genetics (formerly Invitae), Labcorp
Classification: Likely benign for Primary ciliary dyskinesia 33. Last evaluated: 2025-11-03. Review status: criteria provided, single submitter. Criteria: Invitae Variant Classification Sherloc (09022015). Collection method: clinical testing. Allele origin: germline.

Blueprint Genetics
Classification: Likely benign. Last evaluated: 2024-11-25. Review status: criteria provided, single submitter. Criteria: ACMG Guidelines, 2015. Collection method: clinical testing. Allele origin: germline.

ARUP Laboratories, Molecular Genetics and Genomics, ARUP Laboratories
Classification: Uncertain significance for Primary ciliary dyskinesia 33. Last evaluated: 2024-07-08. Review status: criteria provided, single submitter. Criteria: ARUP Molecular Germline Variant Investigation Process 2024. Collection method: clinical testing. Allele origin: germline.
Comment: The GAS8 c.316C>G; p.Leu106Val variant (rs140344685), to our knowledge, is not reported in the medical literature but is reported in ClinVar (Variation ID: 542268). This variant is found in the South Asian population with an allele frequency of 0.3% (95/30,616 alleles, including one homozygote) in the Genome Aggregation Database (v2.1.1). Computational analyses are uncertain whether this variant is neutral or deleterious (REVEL: 0.233). While the high population frequency suggests that this is likely a benign variant, given the lack of clinical and functional data, the significance of this variant is uncertain at this time.

Dr. Peter K. Rogan Lab, Western University
No classification provided (evidence only). Condition: Familial cancer of breast. Review status: no classification provided. Collection method: in vitro. Allele origin: not applicable. Functional consequence: skipped exon. Not counted in ClinVar's aggregate classification.

NM_001481.3(DRC4):c.316C>G (p.Leu106Val)

Gene: DRC4 (dynein regulatory complex subunit 4; plus strand). Cytogenetic location: 16q24.3.
Variant type: single nucleotide variant.
Coding change: c.316C>G on transcript NM_001481.3 (MANE Select); coding-DNA position 316, C replaced by G.
Protein change: p.Leu106Val; replaces leucine 106 with valine.
Molecular consequence: missense variant. On other transcripts: 5 prime UTR variant (1).
Genome position (GRCh38, 1-based): chr16:90,032,745, C>G. VCF-style: chr16-90032745-C-G. GRCh37 (hg19) VCF-style: chr16-90099153-C-G.
Other names: c.67C>G, p.Leu23Val (NM_001286205.2); c.-206C>G (NM_001286208.2); c.241C>G, p.Leu81Val (NM_001286209.2); short protein forms L81V, L106V, L23V.
Identifiers: ClinVar variation 542268 (VCV000542268.13), dbSNP rs140344685, ClinGen allele CA8257765.